The following is an entry in ClinVar:

ClinVar aggregate classification (germline): Uncertain significance. Review status: criteria provided, multiple submitters, no conflicts (2 of 4 stars). 2 submissions from 2 submitters: Uncertain significance (2). Last evaluated 2024-01-18.

Conditions:
DDX41-related hematologic malignancy predisposition syndrome. Also called: DDX41-Associated Familial Myelodysplastic Syndrome and Acute Myeloid Leukemia; Myeloproliferative/lymphoproliferative neoplasms, familial (multiple types), susceptibility to. Identifiers: Orphanet 488647, MedGen C4225174, MONDO:0014809, OMIM 616871.

Allele frequency attached by ClinVar (database versions not stated): gnomAD exomes below 0.00001; TOPMed below 0.00001.
gnomAD v4.1: 3 of 1,612,596 alleles (0.00019%); highest among the groups gnomAD compares: Non-Finnish European, 0.00025%; no homozygotes.

Submissions (2):

Baylor Genetics
Classification: Uncertain significance for DDX41-related hematologic malignancy predisposition syndrome. Last evaluated: 2024-01-18. Review status: criteria provided, single submitter. Criteria: ACMG Guidelines, 2015. Collection method: clinical testing. Allele origin: unknown.

Labcorp Genetics (formerly Invitae), Labcorp
Classification: Uncertain significance. Last evaluated: 2022-08-23. Review status: criteria provided, single submitter. Criteria: Invitae Variant Classification Sherloc (09022015). Collection method: clinical testing. Allele origin: germline.
Comment: In summary, the available evidence is currently insufficient to determine the role of this variant in disease. Therefore, it has been classified as a Variant of Uncertain Significance. Algorithms developed to predict the effect of missense changes on protein structure and function are either unavailable or do not agree on the potential impact of this missense change (SIFT: "Not Available"; PolyPhen-2: "Benign"; Align-GVGD: "Not Available"). This variant has not been reported in the literature in individuals affected with DDX41-related conditions. This variant is not present in population databases (gnomAD no frequency). This sequence change replaces glutamic acid, which is acidic and polar, with lysine, which is basic and polar, at codon 28 of the DDX41 protein (p.Glu28Lys).

NM_016222.4(DDX41):c.82G>A (p.Glu28Lys)

Gene: DDX41 (DEAD-box helicase 41; minus strand). Cytogenetic location: 5q35.3.
Variant type: single nucleotide variant.
Coding change: c.82G>A on transcript NM_016222.4 (MANE Select); coding-DNA position 82, G replaced by A.
Protein change: p.Glu28Lys; replaces glutamic acid 28 with lysine.
Molecular consequence: missense variant. On other transcripts: 5 prime UTR variant (2).
Genome position (GRCh38, 1-based): chr5:177,516,781, C>T on the plus strand (G>A on the coding strand, the complement: DDX41 is on the minus strand). VCF-style: chr5-177516781-C-T. GRCh37 (hg19) VCF-style: chr5-176943782-C-T.
Other names: c.-574G>A (NM_001321732.2); c.-366G>A (NM_001321830.2); short protein forms E28K.
Identifiers: ClinVar variation 2046667 (VCV002046667.5), dbSNP rs1433636328, ClinGen allele CA362377884.